The following is an entry in ClinVar:

ClinVar aggregate classification (germline): Uncertain significance (1 of 4 stars; one submission).

Conditions:
Lymphatic malformation 9. Identifiers: MedGen C5543365, MONDO:0030270, OMIM 619319.

gnomAD v4.1: 49 of 1,525,584 alleles (0.0032%); highest among the groups gnomAD compares: African/African-American, 0.062%; no homozygotes.

Submission:

Clinical Genomics Laboratory, Washington University in St. Louis
Classification: Uncertain significance for Lymphatic malformation 9. Last evaluated: 2026-04-13. Review status: criteria provided, single submitter. Criteria: ACMG Guidelines, 2015. Collection method: clinical testing. Allele origin: germline.
Comment: A CELSR1 c.4171G>A (p.Glu1391Lys) variant was identified at a near heterozygous allelic fraction of 48.7%, a frequency which may be consistent with it being of germline origin. This variant, to our knowledge, has not been reported in the medical literature or the ClinVar database. It is observed on 49/1,525,584 alleles in the general population (gnomAD v4.1.1). Computational predictors are uncertain as to the impact of this variant on CELSR1 function. Due to limited information, and based on ACMG/AMP guidelines for variant interpretation (Richards S et al., PMID: 25741868), the clinical significance of this variant is uncertain at this time.

NM_001378328.1(CELSR1):c.4171G>A (p.Glu1391Lys)

Genes: CELSR1 (cadherin EGF LAG seven-pass G-type receptor 1; minus strand), LOC126863170 (CDK7 strongly-dependent group 2 enhancer GRCh37_chr22:46858535-46859734; plus strand). Cytogenetic location: 22q13.31.
Variant type: single nucleotide variant.
Coding change: c.4171G>A on transcript NM_001378328.1 (MANE Select); coding-DNA position 4171, G replaced by A.
Protein change: p.Glu1391Lys; replaces glutamic acid 1391 with lysine.
Molecular consequence: missense variant.
Genome position (GRCh38, 1-based): chr22:46,463,719, C>T on the plus strand (G>A on the coding strand, the complement: CELSR1 is on the minus strand). VCF-style: chr22-46463719-C-T. GRCh37 (hg19) VCF-style: chr22-46859616-C-T.
Other names: c.4171G>A, p.Glu1391Lys (NM_014246.4); short protein forms E1391K.
Identifiers: ClinVar variation 4974646 (VCV004974646.1).
Genomic context (GRCh38, chr22:46,463,719, plus strand): 5'-GTGACCTGGGGACATGTACACAAAGCCAGGGTGAGCCCGGGCACCTACCAGTGAAGTCCT[C>T]GAAGCACTCGCAGGTGTAGCCGCCCTCGCGGCTGCGGCAGCGGCCGTTGGCGCCGCACGG-3'
Protein context (NP_001365257.1, residues 1381-1401): REGGYTCECF[Glu1391Lys]DFTGEHCEVD